The following is an entry in ClinVar:

ClinVar aggregate classification (germline): Benign/Likely benign. Review status: criteria provided, multiple submitters, no conflicts (2 of 4 stars). 6 submissions from 6 submitters: Benign (3); Likely benign (3). Last evaluated 2025-09-01.

Allele frequency attached by ClinVar (database versions not stated): gnomAD exomes 0.00071 and 0.00146; ExAC 0.00164; gnomAD 0.00381 and 0.00401; TOPMed 0.00452; ESP Exome Variant Server 0.00477; 1000 Genomes Project 0.00539; 1000 Genomes Project 30x 0.00609.
gnomAD v4.1: 1,639 of 1,613,964 alleles (0.1%); highest among the groups gnomAD compares: African/African-American, 1.3%; 5 homozygotes.

Submissions (6):

Labcorp Genetics (formerly Invitae), Labcorp
Classification: Benign. Last evaluated: 2025-09-01. Review status: criteria provided, single submitter. Criteria: Invitae Variant Classification Sherloc (09022015). Collection method: clinical testing. Allele origin: germline.

Blueprint Genetics
Classification: Likely benign. Last evaluated: 2024-11-06. Review status: criteria provided, single submitter. Criteria: ACMG Guidelines, 2015. Collection method: clinical testing. Allele origin: germline.

GeneDx
Classification: Benign. Last evaluated: 2019-07-11. Review status: criteria provided, single submitter. Criteria: GeneDx Variant Classification Process June 2021. Collection method: clinical testing. Allele origin: germline. Affected: yes.

Center for Pediatric Genomic Medicine, Children's Mercy Hospital and Clinics
Classification: Likely benign. Last evaluated: 2017-08-31. Review status: criteria provided, single submitter. Criteria: ACMG Guidelines, 2015. Collection method: clinical testing. Allele origin: germline.

Laboratory for Molecular Medicine, Mass General Brigham Personalized Medicine
Classification: Benign. Last evaluated: 2017-08-23. Review status: criteria provided, single submitter. Criteria: LMM Criteria. Collection method: clinical testing. Allele origin: germline. Observed: 1 variant allele.
Comment: p.Ser559Leu in exon 14 of FAM65B: This variant is not expected to have clinical significance because it has been identified in 1.56% (153/9798) of African chrom osomes by the Exome Aggregation Consortium (ExAC ; dbSNP rs142889670).

Breakthrough Genomics
Classification: Likely benign. Review status: criteria provided, single submitter. Criteria: ACMG Guidelines, 2015. Collection method: not provided. Allele origin: germline. Inheritance: Autosomal recessive inheritance. Affected: yes.

NM_001286445.3(RIPOR2):c.1613C>T (p.Ser538Leu)

Gene: RIPOR2 (RHO family interacting cell polarization regulator 2; minus strand). Cytogenetic location: 6p22.3.
Variant type: single nucleotide variant.
Coding change: c.1613C>T on transcript NM_001286445.3 (MANE Select); coding-DNA position 1613, C replaced by T.
Protein change: p.Ser538Leu; replaces serine 538 with leucine.
Molecular consequence: missense variant.
Genome position (GRCh38, 1-based): chr6:24,843,106, G>A on the plus strand (C>T on the coding strand, the complement: RIPOR2 is on the minus strand). VCF-style: chr6-24843106-G-A. GRCh37 (hg19) VCF-style: chr6-24843334-G-A.
Other names: c.1628C>T, p.Ser543Leu (NM_001286446.3); c.1526C>T, p.Ser509Leu (NM_001286447.2, NM_001346031.2, NM_001346032.2 and 1 more transcripts); c.1676C>T, p.Ser559Leu (NM_014722.5); short protein forms S559L, S538L, S543L, S509L.
Identifiers: ClinVar variation 445509 (VCV000445509.18), dbSNP rs142889670, ClinGen allele CA3659226.
Genomic context (GRCh38, chr6:24,843,106, plus strand): 5'-GCCATTGGCACCTCTGCAGATGTGAGCCTCTTGACCAGCTGCTTTGTGATGTTTCCTTCC[G>A]AAGTGTCCAGTTCCACAGGCTTGAGCTCAGAGGCCTCCTCAGACTCTTGCAGAAGTGCTT-3'
Protein context (NP_001273374.1, residues 528-548): SELKPVELDT[Ser538Leu]EGNITKQLVK